The following is an entry in ClinVar:

NM_000081.4(LYST):c.2392A>G (p.Asn798Asp)

Gene: LYST (lysosomal trafficking regulator; minus strand). Cytogenetic location: 1q42.3.
Variant type: single nucleotide variant.
Coding change: c.2392A>G on transcript NM_000081.4 (MANE Select); coding-DNA position 2392, A replaced by G.
Protein change: p.Asn798Asp; replaces asparagine 798 with aspartic acid.
Molecular consequence: missense variant.
Genome position (GRCh38, 1-based): chr1:235,806,744, T>C on the plus strand (A>G on the coding strand, the complement: LYST is on the minus strand). VCF-style: chr1-235806744-T-C. GRCh37 (hg19) VCF-style: chr1-235970044-T-C.
Other names: c.2392A>G, p.Asn798Asp (NM_001301365.1); short protein forms N798D.
Identifiers: ClinVar variation 2726561 (VCV002726561.2), dbSNP rs1221013258, ClinGen allele CA344957939.

ClinVar aggregate classification (germline): Uncertain significance (1 of 4 stars; one submission).

Conditions:
Chédiak-Higashi syndrome (CHS). Also called: Chediak-Higashi Syndrome. Identifiers: Orphanet 167, MedGen C0007965, MONDO:0008963, OMIM 214500.

Allele frequency attached by ClinVar (database versions not stated): gnomAD 0.00001; TOPMed 0.00002.
gnomAD v4.1: 2 of 1,612,568 alleles (0.00012%); highest among the groups gnomAD compares: African/African-American, 0.0013%; no homozygotes.

Submission:

Labcorp Genetics (formerly Invitae), Labcorp
Classification: Uncertain significance for Chédiak-Higashi syndrome. Last evaluated: 2023-01-25. Review status: criteria provided, single submitter. Criteria: Invitae Variant Classification Sherloc (09022015). Collection method: clinical testing. Allele origin: germline.
Comment: Advanced modeling of protein sequence and biophysical properties (such as structural, functional, and spatial information, amino acid conservation, physicochemical variation, residue mobility, and thermodynamic stability) performed at Invitae indicates that this missense variant is not expected to disrupt LYST protein function. In summary, the available evidence is currently insufficient to determine the role of this variant in disease. Therefore, it has been classified as a Variant of Uncertain Significance. This sequence change replaces asparagine, which is neutral and polar, with aspartic acid, which is acidic and polar, at codon 798 of the LYST protein (p.Asn798Asp). This variant has not been reported in the literature in individuals affected with LYST-related conditions. This variant is not present in population databases (gnomAD no frequency).